The following is an entry in ClinVar:

NM_016507.4(CDK12):c.1706C>T (p.Ser569Phe)

Gene: CDK12 (cyclin dependent kinase 12; plus strand). Cytogenetic location: 17q12.
Variant type: single nucleotide variant.
Coding change: c.1706C>T on transcript NM_016507.4 (MANE Select); coding-DNA position 1706, C replaced by T.
Protein change: p.Ser569Phe; replaces serine 569 with phenylalanine.
Molecular consequence: missense variant.
Genome position (GRCh38, 1-based): chr17:39,471,538, C>T. VCF-style: chr17-39471538-C-T. GRCh37 (hg19) VCF-style: chr17-37627791-C-T.
Other names: c.1706C>T, p.Ser569Phe (NM_015083.4); short protein forms S569F.
Identifiers: ClinVar variation 4651489 (VCV004651489.1).

ClinVar aggregate classification (germline): Uncertain significance (1 of 4 stars; one submission).

Submission:

Ambry Genetics
Classification: Uncertain significance. Last evaluated: 2025-12-10. Review status: criteria provided, single submitter. Criteria: Ambry Variant Classification Scheme 2023. Collection method: clinical testing. Allele origin: germline.
Comment: The p.S569F variant (also known as c.1706C>T), located in coding exon 2 of the CDK12 gene, results from a C to T substitution at nucleotide position 1706. The serine at codon 569 is replaced by phenylalanine, an amino acid with highly dissimilar properties. This amino acid position is conserved. In addition, this alteration is predicted to be tolerated by in silico analysis. Based on the available evidence, the clinical significance of this variant remains unclear.